The following is an entry in ClinVar:

NM_024665.7(TBL1XR1):c.342C>G (p.Ala114=)

Gene: TBL1XR1 (TBL1X/Y related 1; minus strand). Cytogenetic location: 3q26.32.
Variant type: single nucleotide variant.
Coding change: c.342C>G on transcript NM_024665.7 (MANE Select); coding-DNA position 342, C replaced by G.
Protein change: p.Ala114=; no amino-acid change (alanine 114 retained).
Molecular consequence: synonymous variant.
Genome position (GRCh38, 1-based): chr3:177,051,589, G>C on the plus strand (C>G on the coding strand, the complement: TBL1XR1 is on the minus strand). VCF-style: chr3-177051589-G-C. GRCh37 (hg19) VCF-style: chr3-176769377-G-C.
Other names: c.342C>G, p.Ala114= (NM_001321193.3, NM_001321194.3, NM_001374327.1 and 2 more transcripts); c.81C>G, p.Ala27= (NM_001321195.3, NM_001374330.1); c.342C>G (NM_024665.5).
Identifiers: ClinVar variation 1879597 (VCV001879597.30), dbSNP rs780887368, ClinGen allele CA436987284.

ClinVar aggregate classification (germline): Likely benign. Review status: criteria provided, single submitter (1 of 4 stars). 2 submissions from 2 submitters: Likely benign (1). 1 of the submissions does not count toward it. Last evaluated 2023-06-01.

Conditions:
TBL1XR1-related disorder. Also called: TBL1XR1-related condition; TBL1XR1-related disorders. Identifiers: MedGen CN382633, MONDO:1060313.

gnomAD v4.1: 2 of 1,612,112 alleles (0.00012%); highest among the groups gnomAD compares: Middle Eastern, 0.033%; no homozygotes.

Submissions (2):

CeGaT Center for Human Genetics Tuebingen
Classification: Likely benign. Last evaluated: 2023-06-01. Review status: criteria provided, single submitter. Criteria: CeGaT Center For Human Genetics Tuebingen Variant Classification Criteria Version 2. Collection method: clinical testing. Allele origin: germline. Affected: yes. Observed: 2 variant alleles.
Comment: TBL1XR1: PM2:Supporting, BP4, BP7

PreventionGenetics, part of Exact Sciences
Classification: Likely benign for TBL1XR1-related condition. Last evaluated: 2019-05-01. Review status: no assertion criteria provided. Collection method: clinical testing. Allele origin: germline. Not counted in ClinVar's aggregate classification.
Comment: This variant is classified as likely benign based on ACMG/AMP sequence variant interpretation guidelines (Richards et al. 2015 PMID: 25741868, with internal and published modifications).